The following is an entry in ClinVar:

NM_001184.4(ATR):c.3583G>A (p.Ala1195Thr)

Gene: ATR (ATR checkpoint kinase; minus strand). Cytogenetic location: 3q23.
Variant type: single nucleotide variant.
Coding change: c.3583G>A on transcript NM_001184.4 (MANE Select); coding-DNA position 3583, G replaced by A.
Protein change: p.Ala1195Thr; replaces alanine 1195 with threonine.
Molecular consequence: missense variant.
Genome position (GRCh38, 1-based): chr3:142,538,624, C>T on the plus strand (G>A on the coding strand, the complement: ATR is on the minus strand). VCF-style: chr3-142538624-C-T. GRCh37 (hg19) VCF-style: chr3-142257466-C-T.
Other names: c.3391G>A, p.Ala1131Thr (NM_001354579.2); short protein forms A1195T, A1131T.
Identifiers: ClinVar variation 1732915 (VCV001732915.4), dbSNP rs2108433043, ClinGen allele CA354807670.

ClinVar aggregate classification (germline): Uncertain significance. Review status: criteria provided, multiple submitters, no conflicts (2 of 4 stars). 2 submissions from 2 submitters: Uncertain significance (2). Last evaluated 2024-11-26.

Conditions:
Inborn genetic diseases. Identifiers: MedGen C0950123, MeSH D030342.

Submissions (2):

Labcorp Genetics (formerly Invitae), Labcorp
Classification: Uncertain significance. Last evaluated: 2024-11-26. Review status: criteria provided, single submitter. Criteria: Invitae Variant Classification Sherloc (09022015). Collection method: clinical testing. Allele origin: germline.
Comment: This sequence change replaces alanine, which is neutral and non-polar, with threonine, which is neutral and polar, at codon 1195 of the ATR protein (p.Ala1195Thr). This variant is not present in population databases (gnomAD no frequency). This variant has not been reported in the literature in individuals affected with ATR-related conditions. ClinVar contains an entry for this variant (Variation ID: 1732915). An algorithm developed to predict the effect of missense changes on protein structure and function (PolyPhen-2) suggests that this variant is likely to be tolerated. In summary, the available evidence is currently insufficient to determine the role of this variant in disease. Therefore, it has been classified as a Variant of Uncertain Significance.

Ambry Genetics
Classification: Uncertain significance for Inborn genetic diseases. Last evaluated: 2022-09-03. Review status: criteria provided, single submitter. Criteria: Ambry Variant Classification Scheme 2023. Collection method: clinical testing. Allele origin: germline.
Comment: The p.A1195T variant (also known as c.3583G>A), located in coding exon 19 of the ATR gene, results from a G to A substitution at nucleotide position 3583. The alanine at codon 1195 is replaced by threonine, an amino acid with similar properties. This amino acid position is conserved. In addition, this alteration is predicted to be tolerated by in silico analysis. Since supporting evidence is limited at this time, the clinical significance of this alteration remains unclear.